The following is an entry in ClinVar:

NM_001089.3(ABCA3):c.4711del (p.Ser1571fs)

Gene: ABCA3 (ATP binding cassette subfamily A member 3; minus strand). Cytogenetic location: 16p13.3.
Variant type: Deletion.
Coding change: c.4711del on transcript NM_001089.3 (MANE Select); coding-DNA position 4711, one base deleted (T; older notation c.4711delT).
Protein change: p.Ser1571fs; shifts the reading frame from serine 1571.
Molecular consequence: frameshift variant.
Genome position (GRCh38, 1-based): chr16:2,278,295, A deleted on the plus strand (T on the coding strand, the reverse complement: ABCA3 is on the minus strand). VCF-style (leftmost placement, unchanged base first): chr16-2278294-GA-G. GRCh37 (hg19) VCF-style: chr16-2328295-GA-G.
Other names: short protein forms S1571fs.
Identifiers: ClinVar variation 2697616 (VCV002697616.3), dbSNP rs2505612312, ClinGen allele CA2697549598.

ClinVar aggregate classification (germline): Pathogenic (1 of 4 stars; one submission).

Submission:

Labcorp Genetics (formerly Invitae), Labcorp
Classification: Pathogenic. Last evaluated: 2023-11-20. Review status: criteria provided, single submitter. Criteria: Invitae Variant Classification Sherloc (09022015). Collection method: clinical testing. Allele origin: germline.
Comment: This sequence change creates a premature translational stop signal (p.Ser1571Profs*63) in the ABCA3 gene. It is expected to result in an absent or disrupted protein product. Loss-of-function variants in ABCA3 are known to be pathogenic (PMID: 27516224). This variant is not present in population databases (gnomAD no frequency). This variant has not been reported in the literature in individuals affected with ABCA3-related conditions. For these reasons, this variant has been classified as Pathogenic.

Literature cited by the submitters: PubMed 27516224.